The following is an entry in ClinVar:

NM_005908.4(MANBA):c.1836dup (p.Arg613fs)

Gene: MANBA (mannosidase beta; minus strand). Cytogenetic location: 4q24.
Variant type: Duplication.
Coding change: c.1836dup on transcript NM_005908.4 (MANE Select); coding-DNA position 1836, one base duplicated (A; older notation c.1836dupA).
Protein change: p.Arg613fs; shifts the reading frame from arginine 613.
Molecular consequence: frameshift variant.
Genome position (GRCh38, 1-based): chr4:102,650,570, T duplicated on the plus strand (A on the coding strand, the reverse complement: MANBA is on the minus strand). VCF-style (leftmost placement, unchanged base first): chr4-102650569-G-GT. GRCh37 (hg19) VCF-style: chr4-103571726-G-GT.
Other names: short protein forms R613fs.
Identifiers: ClinVar variation 2703999 (VCV002703999.3), dbSNP rs2476757946, ClinGen allele CA2697546830.

ClinVar aggregate classification (germline): Pathogenic (1 of 4 stars; one submission).

Conditions:
Beta-D-mannosidosis (MANSB). Also called: Beta-Mannosidosis; MANNOSIDOSIS, BETA A, LYSOSOMAL; BETA-MANNOSIDASE DEFICIENCY; LYSOSOMAL BETA-MANNOSIDASE DEFICIENCY. Identifiers: Orphanet 118, MedGen C4048196, MONDO:0009562, OMIM 248510.

Submission:

Labcorp Genetics (formerly Invitae), Labcorp
Classification: Pathogenic for Beta-D-mannosidosis. Last evaluated: 2023-12-18. Review status: criteria provided, single submitter. Criteria: Invitae Variant Classification Sherloc (09022015). Collection method: clinical testing. Allele origin: germline.
Comment: This sequence change creates a premature translational stop signal (p.Arg613Thrfs*4) in the MANBA gene. It is expected to result in an absent or disrupted protein product. Loss-of-function variants in MANBA are known to be pathogenic (PMID: 9384606, 12468273). This variant is not present in population databases (gnomAD no frequency). This variant has not been reported in the literature in individuals affected with MANBA-related conditions. For these reasons, this variant has been classified as Pathogenic.

Literature cited by the submitters: PubMed 9384606; PubMed 12468273.